The following is an entry in ClinVar:

ClinVar aggregate classification (germline): Pathogenic (1 of 4 stars; one submission).

Submission:

GeneDx
Classification: Pathogenic. Last evaluated: 2023-06-20. Review status: criteria provided, single submitter. Criteria: GeneDx Variant Classification Process June 2021. Collection method: clinical testing. Allele origin: germline. Affected: yes.
Comment: In silico analysis supports that this missense variant has a deleterious effect on protein structure/function; Not observed at significant frequency in large population cohorts (gnomAD); This variant is associated with the following publications: (PMID: 33527360, 29453417)

NM_024665.7(TBL1XR1):c.557C>T (p.Ser186Leu)

Gene: TBL1XR1 (TBL1X/Y related 1; minus strand). Cytogenetic location: 3q26.32.
Variant type: single nucleotide variant.
Coding change: c.557C>T on transcript NM_024665.7 (MANE Select); coding-DNA position 557, C replaced by T.
Protein change: p.Ser186Leu; replaces serine 186 with leucine.
Molecular consequence: missense variant.
Genome position (GRCh38, 1-based): chr3:177,050,481, G>A on the plus strand (C>T on the coding strand, the complement: TBL1XR1 is on the minus strand). VCF-style: chr3-177050481-G-A. GRCh37 (hg19) VCF-style: chr3-176768269-G-A.
Other names: c.557C>T, p.Ser186Leu (NM_001321193.3, NM_001321194.3, NM_001374327.1 and 2 more transcripts); c.296C>T, p.Ser99Leu (NM_001321195.3, NM_001374330.1); short protein forms S186L, S99L.
Identifiers: ClinVar variation 3340594 (VCV003340594.1).